The following is an entry in ClinVar:

ClinVar aggregate classification (germline): Uncertain significance (1 of 4 stars; one submission).

Submission:

Labcorp Genetics (formerly Invitae), Labcorp
Classification: Uncertain significance. Last evaluated: 2025-04-15. Review status: criteria provided, single submitter. Criteria: Invitae Variant Classification Sherloc (09022015). Collection method: clinical testing. Allele origin: germline.
Comment: This sequence change affects an acceptor splice site in intron 18 of the CAMK2B gene. It is expected to disrupt RNA splicing. Variants that disrupt the donor or acceptor splice site typically lead to a loss of protein function (PMID: 16199547), however the current clinical and genetic evidence is not sufficient to establish whether loss-of-function variants in CAMK2B cause disease. This variant is not present in population databases (gnomAD no frequency). This variant has not been reported in the literature in individuals affected with CAMK2B-related conditions. ClinVar contains an entry for this variant (Variation ID: 2752679). Algorithms developed to predict the effect of sequence changes on RNA splicing suggest that this variant may disrupt the consensus splice site. In summary, the available evidence is currently insufficient to determine the role of this variant in disease. Therefore, it has been classified as a Variant of Uncertain Significance.

Literature cited by the submitters: PubMed 16199547.

NM_001220.5(CAMK2B):c.1340-2A>G

Gene: CAMK2B (calcium/calmodulin dependent protein kinase II beta; minus strand). Cytogenetic location: 7p13.
Variant type: single nucleotide variant.
Coding change: c.1340-2A>G on transcript NM_001220.5 (MANE Select); the canonical splice acceptor site of the intron before coding-DNA position 1340, A replaced by G.
Molecular consequence: splice acceptor variant. On other transcripts: intron variant (8).
Genome position (GRCh38, 1-based): chr7:44,228,926, T>C on the plus strand (A>G on the coding strand, the complement: CAMK2B is on the minus strand). VCF-style: chr7-44228926-T-C. GRCh37 (hg19) VCF-style: chr7-44268525-T-C.
Other names: c.947-8025A>G (NM_172084.3); c.1150+2080A>G (NM_172080.3); c.1036+2080A>G (NM_172083.3); c.1108+2080A>G (NM_172081.3); c.1153+2080A>G (NM_172079.3, NM_172082.3); c.1225+2080A>G (NM_001293170.2, NM_172078.3).
Identifiers: ClinVar variation 2752679 (VCV002752679.3), dbSNP rs142386444, ClinGen allele CA367373372.